The following is an entry in ClinVar:

ClinVar aggregate classification (germline): Uncertain significance (1 of 4 stars; one submission).

Conditions:
PCNT-related disorder. Also called: PCNT-related condition.

Submission:

PreventionGenetics, part of Exact Sciences
Classification: Uncertain significance for PCNT-related condition. Last evaluated: 2026-07-06. Review status: criteria provided, single submitter. Criteria: ACMG Guidelines, 2015. Collection method: clinical testing. Allele origin: germline.
Comment: The PCNT c.1927C>A variant is predicted to result in the amino acid substitution p.His643Asn. To our knowledge, this variant has not been reported in the literature or in a large population database (gnomAD), indicating this variant is rare. At this time, the clinical significance of this variant is uncertain due to the absence of conclusive functional and genetic evidence.

NM_006031.6(PCNT):c.1927C>A (p.His643Asn)

Gene: PCNT (pericentrin; plus strand). Cytogenetic location: 21q22.3.
Variant type: single nucleotide variant.
Coding change: c.1927C>A on transcript NM_006031.6 (MANE Select); coding-DNA position 1927, C replaced by A.
Protein change: p.His643Asn; replaces histidine 643 with asparagine.
Molecular consequence: missense variant.
Genome position (GRCh38, 1-based): chr21:46,355,617, C>A. VCF-style: chr21-46355617-C-A. GRCh37 (hg19) VCF-style: chr21-47775532-C-A.
Other names: c.1573C>A, p.His525Asn (NM_001315529.2); short protein forms H525N, H643N.
Identifiers: ClinVar variation 4990944 (VCV004990944.1).